The following is an entry in ClinVar:

ClinVar aggregate classification (germline): Likely benign (1 of 4 stars; one submission).

Allele frequency attached by ClinVar (database versions not stated): ExAC 0.00053; 1000 Genomes Project 0.00060; 1000 Genomes Project 30x 0.00062; ESP Exome Variant Server 0.00065; gnomAD 0.00078; gnomAD exomes 0.00088; TOPMed 0.00128.
gnomAD v4.1: 1,412 of 1,613,548 alleles (0.088%); highest among the groups gnomAD compares: Admixed American, 0.2%; no homozygotes.

Submission:

CeGaT Center for Human Genetics Tuebingen
Classification: Likely benign. Last evaluated: 2023-03-01. Review status: criteria provided, single submitter. Criteria: CeGaT Center For Human Genetics Tuebingen Variant Classification Criteria Version 2. Collection method: clinical testing. Allele origin: germline. Affected: yes. Observed: 1 variant allele.
Comment: PEAK1: BP4, BP7

NM_001385026.1(PEAK1):c.4551A>G (p.Leu1517=)

Gene: PEAK1 (pseudopodium enriched atypical kinase 1; minus strand). Cytogenetic location: 15q24.3.
Variant type: single nucleotide variant.
Coding change: c.4551A>G on transcript NM_001385026.1 (MANE Select); coding-DNA position 4551, A replaced by G.
Protein change: p.Leu1517=; no amino-acid change (leucine 1517 retained).
Molecular consequence: synonymous variant.
Genome position (GRCh38, 1-based): chr15:77,114,846, T>C on the plus strand (A>G on the coding strand, the complement: PEAK1 is on the minus strand). VCF-style: chr15-77114846-T-C. GRCh37 (hg19) VCF-style: chr15-77407188-T-C.
Other names: c.4551A>G, p.Leu1517= (NM_001387085.1, NM_001387086.1, NM_024776.5).
Identifiers: ClinVar variation 2645589 (VCV002645589.24), dbSNP rs143178260, ClinGen allele CA7676584.